The following is an entry in ClinVar:

NM_004407.4(DMP1):c.1408G>A (p.Glu470Lys)

Genes: DMP1 (dentin matrix acidic phosphoprotein 1; plus strand), DMP1-AS1 (DMP1 and DSPP antisense RNA 1; minus strand). Cytogenetic location: 4q22.1.
Variant type: single nucleotide variant.
Coding change: c.1408G>A on transcript NM_004407.4 (MANE Select); coding-DNA position 1408, G replaced by A.
Protein change: p.Glu470Lys; replaces glutamic acid 470 with lysine.
Molecular consequence: missense variant.
Genome position (GRCh38, 1-based): chr4:87,663,186, G>A. VCF-style: chr4-87663186-G-A. GRCh37 (hg19) VCF-style: chr4-88584338-G-A.
Other names: c.1360G>A, p.Glu454Lys (NM_001079911.3); short protein forms E470K, E454K.
Identifiers: ClinVar variation 349986 (VCV000349986.11), dbSNP rs369921592, ClinGen allele CA3002198.

ClinVar aggregate classification (germline): Uncertain significance. Review status: criteria provided, multiple submitters, no conflicts (2 of 4 stars). 5 submissions from 5 submitters: Uncertain significance (5). Last evaluated 2025-01-20.

Conditions:
Inborn genetic diseases. Identifiers: MedGen C0950123, MeSH D030342.
Hypophosphatemic rickets, autosomal recessive, 1 (ARHR1). Also called: HYPOPHOSPHATEMIA, AUTOSOMAL RECESSIVE. Identifiers: Orphanet 289176, MedGen C4551495, MONDO:0009430, OMIM 241520. Disease mechanism: loss of function.

Allele frequency attached by ClinVar (database versions not stated): gnomAD 0.00001; ExAC 0.00002; gnomAD exomes 0.00002 and 0.00005; TOPMed 0.00002; ESP Exome Variant Server 0.00015.
gnomAD v4.1: 77 of 1,614,058 alleles (0.0048%); highest among the groups gnomAD compares: Non-Finnish European, 0.0064%; no homozygotes.

Submissions (5):

Ambry Genetics
Classification: Uncertain significance for Inborn genetic diseases. Last evaluated: 2025-01-20. Review status: criteria provided, single submitter. Criteria: Ambry Variant Classification Scheme 2023. Collection method: clinical testing. Allele origin: germline.

Labcorp Genetics (formerly Invitae), Labcorp
Classification: Uncertain significance. Last evaluated: 2022-06-01. Review status: criteria provided, single submitter. Criteria: Invitae Variant Classification Sherloc (09022015). Collection method: clinical testing. Allele origin: germline.
Comment: This sequence change replaces glutamic acid, which is acidic and polar, with lysine, which is basic and polar, at codon 470 of the DMP1 protein (p.Glu470Lys). This variant is present in population databases (rs369921592, gnomAD 0.01%). This variant has not been reported in the literature in individuals affected with DMP1-related conditions. ClinVar contains an entry for this variant (Variation ID: 349986). Algorithms developed to predict the effect of missense changes on protein structure and function are either unavailable or do not agree on the potential impact of this missense change (SIFT: "Tolerated"; PolyPhen-2: "Not Available"; Align-GVGD: "Class C0"). In summary, the available evidence is currently insufficient to determine the role of this variant in disease. Therefore, it has been classified as a Variant of Uncertain Significance.

Fulgent Genetics
Classification: Uncertain significance for Hypophosphatemic rickets, autosomal recessive, 1. Last evaluated: 2021-12-27. Review status: criteria provided, single submitter. Criteria: ACMG Guidelines, 2015. Collection method: clinical testing. Allele origin: unknown.

Department of Pathology and Laboratory Medicine, Sinai Health System
Classification: Uncertain significance for hypophosphatemic rickets, autosomal recessive, 1. Last evaluated: 2021-08-25. Review status: criteria provided, single submitter. Criteria: ACMG Guidelines, 2015. Collection method: research. Allele origin: germline.

Illumina Laboratory Services, Illumina
Classification: Uncertain significance for Hypophosphatemic rickets, autosomal recessive, 1. Last evaluated: 2018-01-13. Review status: criteria provided, single submitter. Criteria: ICSL Variant Classification Criteria 13 December 2019. Collection method: clinical testing. Allele origin: germline.